The following is an entry in ClinVar:

ClinVar aggregate classification (germline): Likely pathogenic (1 of 4 stars; one submission).

Conditions:
PRPH2-related disorder. Also called: PRPH2-related disorders; PRPH2-related condition. Identifiers: MedGen CN239395.

gnomAD v4.1: 1 of 1,614,204 alleles (0.000062%); highest among the groups gnomAD compares: South Asian, 0.0011%; no homozygotes.

Submission:

Labcorp Genetics (formerly Invitae), Labcorp
Classification: Likely pathogenic for PRPH2-related disorder. Last evaluated: 2023-10-03. Review status: criteria provided, single submitter. Criteria: Invitae Variant Classification Sherloc (09022015). Collection method: clinical testing. Allele origin: germline.
Comment: This sequence change replaces proline, which is neutral and non-polar, with alanine, which is neutral and non-polar, at codon 221 of the PRPH2 protein (p.Pro221Ala). This variant is not present in population databases (gnomAD no frequency). This variant has not been reported in the literature in individuals affected with PRPH2-related conditions. Advanced modeling of protein sequence and biophysical properties (such as structural, functional, and spatial information, amino acid conservation, physicochemical variation, residue mobility, and thermodynamic stability) performed at Invitae indicates that this missense variant is expected to disrupt PRPH2 protein function. This variant disrupts the p.Pro221 amino acid residue in PRPH2. Other variant(s) that disrupt this residue have been determined to be pathogenic (PMID: 19038374, 28559085; Invitae). This suggests that this residue is clinically significant, and that variants that disrupt this residue are likely to be disease-causing. In summary, the currently available evidence indicates that the variant is pathogenic, but additional data are needed to prove that conclusively. Therefore, this variant has been classified as Likely Pathogenic.

Literature cited by the submitters: PubMed 19038374; PubMed 28559085.

NM_000322.5(PRPH2):c.661C>G (p.Pro221Ala)

Gene: PRPH2 (peripherin 2; minus strand). Cytogenetic location: 6p21.1.
Variant type: single nucleotide variant.
Coding change: c.661C>G on transcript NM_000322.5 (MANE Select); coding-DNA position 661, C replaced by G.
Protein change: p.Pro221Ala; replaces proline 221 with alanine.
Molecular consequence: missense variant.
Genome position (GRCh38, 1-based): chr6:42,704,532, G>C on the plus strand (C>G on the coding strand, the complement: PRPH2 is on the minus strand). VCF-style: chr6-42704532-G-C. GRCh37 (hg19) VCF-style: chr6-42672270-G-C.
Other names: short protein forms P221A.
Identifiers: ClinVar variation 2813271 (VCV002813271.3), dbSNP rs777534414, ClinGen allele CA364135465.